The following is an entry in ClinVar:

NM_000038.6(APC):c.3618_3619insTTTGTTCATCTGGAC (p.Ser1206_Lys1207insPheValHisLeuAsp)

Gene: APC (APC regulator of Wnt signaling pathway; plus strand). Cytogenetic location: 5q22.2.
Variant type: Insertion.
Coding change: c.3618_3619insTTTGTTCATCTGGAC on transcript NM_000038.6 (MANE Select); coding-DNA positions 3618 to 3619, TTTGTTCATCTGGAC inserted.
Protein change: p.Ser1206_Lys1207insPheValHisLeuAsp.
Molecular consequence: inframe insertion.
Genome position: GRCh38 VCF-style: chr5-112839212-T-TTTTGTTCATCTGGAC. GRCh37 (hg19) VCF-style: chr5-112174909-T-TTTTGTTCATCTGGAC.
Other names: c.3618_3619insTTTGTTCATCTGGAC, p.Ser1206_Lys1207insPheValHisLeuAsp (NM_001127510.3, NM_001354895.2); c.3564_3565insTTTGTTCATCTGGAC, p.Ser1188_Lys1189insPheValHisLeuAsp (NM_001127511.3); c.3672_3673insTTTGTTCATCTGGAC, p.Ser1224_Lys1225insPheValHisLeuAsp (NM_001354896.2); c.3648_3649insTTTGTTCATCTGGAC, p.Ser1216_Lys1217insPheValHisLeuAsp (NM_001354897.2); c.3543_3544insTTTGTTCATCTGGAC, p.Ser1181_Lys1182insPheValHisLeuAsp (NM_001354898.2); c.3534_3535insTTTGTTCATCTGGAC, p.Ser1178_Lys1179insPheValHisLeuAsp (NM_001354899.2); c.3495_3496insTTTGTTCATCTGGAC, p.Ser1165_Lys1166insPheValHisLeuAsp (NM_001354900.2); c.3441_3442insTTTGTTCATCTGGAC, p.Ser1147_Lys1148insPheValHisLeuAsp (NM_001354901.2); and 5 more.
Identifiers: ClinVar variation 998591 (VCV000998591.8), dbSNP rs1765476659, ClinGen allele CA1573489413.

ClinVar aggregate classification (germline): Uncertain significance (1 of 4 stars; one submission).

Conditions:
Familial adenomatous polyposis 1 (FAP1). Also called: FAMILIAL ADENOMATOUS POLYPOSIS 1, ATTENUATED; POLYPOSIS, ADENOMATOUS INTESTINAL. Identifiers: MedGen C2713442, MONDO:0021056, OMIM 175100. Disease mechanism: loss of function.

Submission:

Labcorp Genetics (formerly Invitae), Labcorp
Classification: Uncertain significance for Familial adenomatous polyposis 1. Last evaluated: 2024-05-22. Review status: criteria provided, single submitter. Criteria: Invitae Variant Classification Sherloc (09022015). Collection method: clinical testing. Allele origin: germline.
Comment: This variant, c.3618_3619insTTTGTTCATCTGGAC, results in the insertion of 5 amino acid(s) of the APC protein (p.Ser1206_Lys1207insPheValHisLeuAsp), but otherwise preserves the integrity of the reading frame. This variant is not present in population databases (gnomAD no frequency). This variant has not been reported in the literature in individuals affected with APC-related conditions. ClinVar contains an entry for this variant (Variation ID: 998591). Experimental studies and prediction algorithms are not available or were not evaluated, and the functional significance of this variant is currently unknown. In summary, the available evidence is currently insufficient to determine the role of this variant in disease. Therefore, it has been classified as a Variant of Uncertain Significance.